The following is an entry in ClinVar:

NM_004517.4(ILK):c.619-6C>T

Genes: ILK (integrin linked kinase; plus strand), TAF10 (TATA-box binding protein associated factor 10; minus strand). Cytogenetic location: 11p15.4.
Variant type: single nucleotide variant.
Coding change: c.619-6C>T on transcript NM_004517.4 (MANE Select); 6 bases into the intron before coding-DNA position 619, C replaced by T.
Molecular consequence: intron variant. On other transcripts: 3 prime UTR variant (1).
Genome position (GRCh38, 1-based): chr11:6,609,293, C>T. VCF-style: chr11-6609293-C-T. GRCh37 (hg19) VCF-style: chr11-6630524-C-T.
Other names: c.*1629G>A (NM_006284.4); c.619-6C>T (NM_001014795.3, NM_001014794.3); c.436-6C>T (NM_001278441.2); c.217-6C>T (NM_001278442.2).
Identifiers: ClinVar variation 239949 (VCV000239949.59), dbSNP rs149710421, ClinGen allele CA5858134.

ClinVar aggregate classification (germline): Benign/Likely benign. Review status: criteria provided, multiple submitters, no conflicts (2 of 4 stars). 8 submissions from 8 submitters: Benign (2); Likely benign (4). 2 of the submissions do not count toward it. Last evaluated 2026-08-17.

Conditions:
ILK-related disorder. Also called: ILK-related condition.
Primary familial hypertrophic cardiomyopathy (HCM). Identifiers: Orphanet 99739, MedGen C0949658, MeSH D024741, MONDO:0024573. Inheritance: Various modes of inheritance.

Allele frequency attached by ClinVar (database versions not stated): 1000 Genomes Project 0.00040; 1000 Genomes Project 30x 0.00047; gnomAD 0.00048 and 0.00052; gnomAD exomes 0.00060 and 0.00086; ESP Exome Variant Server 0.00069; TOPMed 0.00070; ExAC 0.00075.
gnomAD v4.1: 995 of 1,613,736 alleles (0.062%); highest among the groups gnomAD compares: Middle Eastern, 1.2%; 5 homozygotes.

Submissions (8):

PreventionGenetics, part of Exact Sciences
Classification: Likely benign for ILK-related condition. Last evaluated: 2026-08-17. Review status: criteria provided, single submitter. Criteria: ACMG Guidelines, 2015. Collection method: clinical testing. Allele origin: germline.
Comment: This variant is classified as likely benign based on ACMG/AMP sequence variant interpretation guidelines (Richards et al. 2015 PMID: 25741868, with internal and published modifications).

Labcorp Genetics (formerly Invitae), Labcorp
Classification: Benign for Primary familial hypertrophic cardiomyopathy. Last evaluated: 2026-01-26. Review status: criteria provided, single submitter. Criteria: Invitae Variant Classification Sherloc (09022015). Collection method: clinical testing. Allele origin: germline.

Blueprint Genetics
Classification: Likely benign. Last evaluated: 2024-11-26. Review status: criteria provided, single submitter. Criteria: ACMG Guidelines, 2015. Collection method: clinical testing. Allele origin: germline.

CeGaT Center for Human Genetics Tuebingen
Classification: Likely benign. Last evaluated: 2024-01-01. Review status: criteria provided, single submitter. Criteria: CeGaT Center For Human Genetics Tuebingen Variant Classification Criteria Version 2. Collection method: clinical testing. Allele origin: germline. Affected: yes. Observed: 2 variant alleles.
Comment: ILK: BP4

Ambry Genetics
Classification: Likely benign. Last evaluated: 2021-11-15. Review status: criteria provided, single submitter. Criteria: Ambry Variant Classification Scheme 2023. Collection method: clinical testing. Allele origin: germline.

GeneDx
Classification: Benign. Last evaluated: 2015-03-03. Review status: criteria provided, single submitter. Criteria: GeneDx Variant Classification Process June 2021. Collection method: clinical testing. Allele origin: germline. Affected: yes.

Clinical Genetics DNA and cytogenetics Diagnostics Lab, Erasmus MC, Erasmus Medical Center
Classification: Likely benign. Review status: no assertion criteria provided. Collection method: clinical testing. Allele origin: germline. Affected: yes. Study: VKGL Data-share Consensus. Not counted in ClinVar's aggregate classification.

Genome Diagnostics Laboratory, University Medical Center Utrecht
Classification: Likely benign. Review status: no assertion criteria provided. Collection method: clinical testing. Allele origin: germline. Affected: yes. Study: VKGL Data-share Consensus. Not counted in ClinVar's aggregate classification.